The following is an entry in ClinVar:

ClinVar aggregate classification (germline): Pathogenic (1 of 4 stars; one submission).

Conditions:
Hereditary cancer-predisposing syndrome. Also called: Neoplastic Syndromes, Hereditary; Tumor predisposition; Hereditary Cancer Syndrome; Hereditary neoplastic syndrome. Identifiers: Orphanet 140162, MedGen C0027672, MeSH D009386, MONDO:0015356.

Submission:

Ambry Genetics
Classification: Pathogenic for Hereditary cancer-predisposing syndrome. Last evaluated: 2023-12-07. Review status: criteria provided, single submitter. Criteria: Ambry Variant Classification Scheme 2023. Collection method: clinical testing. Allele origin: germline.
Comment: The c.2471delC pathogenic mutation, located in coding exon 15 of the PMS2 gene, results from a deletion of one nucleotide at nucleotide position 2471, causing a translational frameshift with a predicted alternate stop codon (p.T824Kfs*4). This alteration occurs at the 3' terminus of thePMS2 gene, is not expected to trigger nonsense-mediated mRNA decay, and only impacts the last 40 amino acids of the protein. However, premature stop codons are typically deleterious in nature and the impacted region is critical for protein function (Ambry internal data).This variant is considered to be rare based on population cohorts in the Genome Aggregation Database (gnomAD). Based on the supporting evidence, this alteration is interpreted as a disease-causing mutation.

NM_000535.7(PMS2):c.2471del (p.Thr824fs)

Gene: PMS2 (PMS1 homolog 2, mismatch repair system component; minus strand). Cytogenetic location: 7p22.1.
Variant type: Deletion.
Coding change: c.2471del on transcript NM_000535.7 (MANE Select); coding-DNA position 2471, one base deleted (C; older notation c.2471delC).
Protein change: p.Thr824fs; shifts the reading frame from threonine 824.
Molecular consequence: frameshift variant. On other transcripts: non-coding transcript variant (1).
Genome position (GRCh38, 1-based): chr7:5,973,517, G deleted on the plus strand (C on the coding strand, the reverse complement: PMS2 is on the minus strand). VCF-style (leftmost placement, unchanged base first): chr7-5973516-TG-T. GRCh37 (hg19) VCF-style: chr7-6013147-TG-T.
Other names: c.2066del, p.Thr689fs (NM_001322003.2, NM_001322004.2, NM_001322005.2); c.2315del, p.Thr772fs (NM_001322006.2); c.2153del, p.Thr718fs (NM_001322007.2, NM_001322008.2); c.2099del, p.Thr700fs (NM_001322009.2); c.1910del, p.Thr637fs (NM_001322010.2); c.1538del, p.Thr513fs (NM_001322011.2, NM_001322012.2); c.1898del, p.Thr633fs (NM_001322013.2); c.2504del, p.Thr835fs (NM_001322014.2); and 1 more; short protein forms T689fs, T721fs, T772fs, T633fs, T637fs, T700fs, T835fs, T513fs.
Identifiers: ClinVar variation 821342 (VCV000821342.4), dbSNP rs1583270185, ClinGen allele CA915944847.